The following is an entry in ClinVar:

ClinVar aggregate classification (germline): Uncertain significance. Review status: criteria provided, multiple submitters, no conflicts (2 of 4 stars). 3 submissions from 3 submitters: Uncertain significance (2). 1 of the submissions does not count toward it. Last evaluated 2024-04-15.

Conditions:
Inborn genetic diseases. Identifiers: MedGen C0950123, MeSH D030342.
Autosomal recessive nonsyndromic hearing loss 77. Identifiers: Orphanet 90636, MedGen C2746083, MONDO:0013119, OMIM 613079.

Allele frequency attached by ClinVar (database versions not stated): gnomAD 0.00001 and 0.00002; TOPMed 0.00002; gnomAD exomes 0.00006; ExAC 0.00009; 1000 Genomes Project 30x 0.00016; 1000 Genomes Project 0.00020; ESP Exome Variant Server 0.00022.
gnomAD v4.1: 21 of 1,551,922 alleles (0.0014%); highest among the groups gnomAD compares: Admixed American, 0.022%; no homozygotes.

Submissions (3):

Ambry Genetics
Classification: Uncertain significance for Inborn genetic diseases. Last evaluated: 2024-04-15. Review status: criteria provided, single submitter. Criteria: Ambry Variant Classification Scheme 2023. Collection method: clinical testing. Allele origin: germline.

Laboratory for Molecular Medicine, Mass General Brigham Personalized Medicine
Classification: Uncertain significance. Last evaluated: 2017-11-20. Review status: criteria provided, single submitter. Criteria: LMM Criteria. Collection method: clinical testing. Allele origin: germline. Observed: 1 variant allele.
Comment: The p.Glu2137Lys variant in LOXHD1 has not been previously reported in individua ls with hearing loss. This variant has been identified in 5/24794 Latino chromos omes by the Genome Aggregation Database (gnomAD, g; dbSNP rs376559755). Although this variant has been seen in the general popula tion, its frequency is not high enough to rule out a pathogenic role. Computatio nal prediction tools and conservation analysis suggest that the p.Glu2137Lys var iant may impact the protein, though this information is not predictive enough to determine pathogenicity. In summary, the clinical significance of the p.Glu2137 Lys variant is uncertain. ACMG/AMP Criteria applied: PP3.

Natera, Inc.
Classification: Uncertain significance for Autosomal recessive deafness type 77. Last evaluated: 2019-10-28. Review status: no assertion criteria provided. Collection method: clinical testing. Allele origin: germline. Not counted in ClinVar's aggregate classification.

NM_001384474.1(LOXHD1):c.6595G>A (p.Glu2199Lys)

Gene: LOXHD1 (lipoxygenase homology PLAT domains 1; minus strand). Cytogenetic location: 18q21.1.
Variant type: single nucleotide variant.
Coding change: c.6595G>A on transcript NM_001384474.1 (MANE Select); coding-DNA position 6595, G replaced by A.
Protein change: p.Glu2199Lys; replaces glutamic acid 2199 with lysine.
Molecular consequence: missense variant.
Genome position (GRCh38, 1-based): chr18:46,477,699, C>T on the plus strand (G>A on the coding strand, the complement: LOXHD1 is on the minus strand). VCF-style: chr18-46477699-C-T. GRCh37 (hg19) VCF-style: chr18-44057662-C-T.
Other names: c.3262G>A, p.Glu1088Lys (NM_001145472.3); c.1312G>A, p.Glu438Lys (NM_001145473.3, NM_001173129.2); c.2974G>A, p.Glu992Lys (NM_001308013.2); c.6409G>A, p.Glu2137Lys (NM_144612.7); short protein forms E2137K, E992K, E1088K, E438K, E2199K.
Identifiers: ClinVar variation 506191 (VCV000506191.6), dbSNP rs376559755, ClinGen allele CA8952032.
Genomic context (GRCh38, chr18:46,477,699, plus strand): 5'-CCTTGCGCAGCTCACCCAGCTCCAGCGTCTCCAGGAAGAAGCGGTCTGTGCTGCCCCGCT[C>T]GAAGAGGTTGCGCATTTTCTGCTTCAGCTCCCGCTTGCCTGTGTCTCCGTTGGCCCCAAA-3'
Protein context (NP_001371403.1, residues 2189-2209): ELKQKMRNLF[Glu2199Lys]RGSTDRFFLE